The following is an entry in ClinVar:

NM_003839.4(TNFRSF11A):c.662C>T (p.Ala221Val)

Gene: TNFRSF11A (TNF receptor superfamily member 11a; plus strand). Cytogenetic location: 18q21.33.
Variant type: single nucleotide variant.
Coding change: c.662C>T on transcript NM_003839.4 (MANE Select); coding-DNA position 662, C replaced by T.
Protein change: p.Ala221Val; replaces alanine 221 with valine.
Molecular consequence: missense variant. On other transcripts: intron variant (1).
Genome position (GRCh38, 1-based): chr18:62,361,725, C>T. VCF-style: chr18-62361725-C-T. GRCh37 (hg19) VCF-style: chr18-60028958-C-T.
Other names: c.662C>T, p.Ala221Val (NM_001270949.2, NM_001270950.2); c.620C>T, p.Ala207Val (NM_001278268.2); c.616+1676C>T (NM_001270951.2); short protein forms A221V, A207V.
Identifiers: ClinVar variation 1922956 (VCV001922956.5), dbSNP rs781169173, ClinGen allele CA8983828.
Genomic context (GRCh38, chr18:62,361,725, plus strand): 5'-TTTCTTCCAATACAGAACCCCATGTTTACTTGCCCGGTTTAATAATTCTGCTTCTCTTCG[C>T]GTCTGTGGCCCTGGTGGCTGCCATCATCTTTGGCGTTTGCTATAGGAAAAAAGGGAAAGC-3'
Protein context (NP_003830.1, residues 211-231): LPGLIILLLF[Ala221Val]SVALVAAIIF

ClinVar aggregate classification (germline): Uncertain significance (1 of 4 stars; one submission).

Allele frequency attached by ClinVar (database versions not stated): gnomAD 0.00002; gnomAD exomes 0.00003; TOPMed 0.00003; ExAC 0.00004.
gnomAD v4.1: 49 of 1,614,026 alleles (0.003%); highest among the groups gnomAD compares: Middle Eastern, 0.016%; no homozygotes.

Submission:

Labcorp Genetics (formerly Invitae), Labcorp
Classification: Uncertain significance. Last evaluated: 2025-09-15. Review status: criteria provided, single submitter. Criteria: Invitae Variant Classification Sherloc (09022015). Collection method: clinical testing. Allele origin: germline.
Comment: This sequence change replaces alanine, which is neutral and non-polar, with valine, which is neutral and non-polar, at codon 221 of the TNFRSF11A protein (p.Ala221Val). This variant is present in population databases (rs781169173, gnomAD 0.006%). This variant has not been reported in the literature in individuals affected with TNFRSF11A-related conditions. ClinVar contains an entry for this variant (Variation ID: 1922956). Invitae Evidence Modeling of protein sequence and biophysical properties (such as structural, functional, and spatial information, amino acid conservation, physicochemical variation, residue mobility, and thermodynamic stability) indicates that this missense variant is not expected to disrupt TNFRSF11A protein function with a negative predictive value of 80%. In summary, the available evidence is currently insufficient to determine the role of this variant in disease. Therefore, it has been classified as a Variant of Uncertain Significance.